The following is an entry in ClinVar:

NM_002693.3(POLG):c.1128_1129del (p.Phe377fs)

Gene: POLG (DNA polymerase gamma, catalytic subunit; minus strand). Cytogenetic location: 15q26.1.
Variant type: Deletion.
Coding change: c.1128_1129del on transcript NM_002693.3 (MANE Select); coding-DNA positions 1128 to 1129, 2 bases deleted (GT; older notation c.1128_1129delGT).
Protein change: p.Phe377fs; shifts the reading frame from phenylalanine 377.
Molecular consequence: frameshift variant.
Genome position (GRCh38, 1-based): chr15:89,328,726-89,328,727, AC deleted on the plus strand (GT on the coding strand, the reverse complement: POLG is on the minus strand); deleting any 2 consecutive bases within chr15:89,328,726-89,328,728 gives the same sequence; the c. name uses the placement nearest the transcript's 3' end. VCF-style (leftmost placement, unchanged base first): chr15-89328725-AAC-A. GRCh37 (hg19) VCF-style: chr15-89871956-AAC-A.
Other names: c.1128_1129del, p.Phe377fs (NM_001126131.2); short protein forms F377fs.
Identifiers: ClinVar variation 2016632 (VCV002016632.4), dbSNP rs2509261166, ClinGen allele CA2580090197.

ClinVar aggregate classification (germline): Pathogenic (1 of 4 stars; one submission).

Conditions:
Progressive sclerosing poliodystrophy (MTDPS4A). Also called: Mitochondrial DNA Depletion Syndrome 4A; ALPERS PROGRESSIVE INFANTILE POLIODYSTROPHY; NEURONAL DEGENERATION OF CHILDHOOD WITH LIVER DISEASE, PROGRESSIVE; Mitochondrial DNA depletion syndrome 4A (Alpers type); Alpers Syndrome; ALPERS DIFFUSE DEGENERATION OF CEREBRAL GRAY MATTER WITH HEPATIC CIRRHOSIS. Identifiers: Orphanet 726, MedGen C0205710, MONDO:0008758, OMIM 203700.

Submission:

Labcorp Genetics (formerly Invitae), Labcorp
Classification: Pathogenic for Progressive sclerosing poliodystrophy. Last evaluated: 2022-07-13. Review status: criteria provided, single submitter. Criteria: Invitae Variant Classification Sherloc (09022015). Collection method: clinical testing. Allele origin: germline.
Comment: This sequence change creates a premature translational stop signal (p.Phe377Cysfs*10) in the POLG gene. It is expected to result in an absent or disrupted protein product. Loss-of-function variants in POLG are known to be pathogenic (PMID: 18546365). This variant is not present in population databases (gnomAD no frequency). This variant has not been reported in the literature in individuals affected with POLG-related conditions. For these reasons, this variant has been classified as Pathogenic.

Literature cited by the submitters: PubMed 18546365.